The following is an entry in ClinVar:

NM_152281.3(GORAB):c.-23G>A

Genes: GORAB (golgin, RAB6 interacting; plus strand), GORAB-AS1 (GORAB antisense RNA 1; minus strand). Cytogenetic location: 1q24.2.
Variant type: single nucleotide variant.
Coding change: c.-23G>A on transcript NM_152281.3 (MANE Select); 23 bases upstream of the start codon, G replaced by A.
Molecular consequence: 5 prime UTR variant. On other transcripts: non-coding transcript variant (1).
Genome position (GRCh38, 1-based): chr1:170,532,201, G>A. VCF-style: chr1-170532201-G-A. GRCh37 (hg19) VCF-style: chr1-170501342-G-A.
Other names: c.-23G>A (NM_001146039.2, NM_001410894.1); c.-788G>A (NM_001320252.2).
Identifiers: ClinVar variation 3610699 (VCV003610699.2).

ClinVar aggregate classification (germline): Pathogenic (1 of 4 stars; one submission).

gnomAD v4.1: 5 of 1,613,828 alleles (0.00031%); highest among the groups gnomAD compares: Admixed American, 0.0017%; no homozygotes.

Submission:

Labcorp Genetics (formerly Invitae), Labcorp
Classification: Pathogenic. Last evaluated: 2024-10-13. Review status: criteria provided, single submitter. Criteria: Invitae Variant Classification Sherloc (09022015). Collection method: clinical testing. Allele origin: germline.
Comment: This sequence change creates a premature translational stop signal (p.Trp18*) in the GORAB gene. It is expected to result in an absent or disrupted protein product. Loss-of-function variants in GORAB are known to be pathogenic (PMID: 18997784, 19681135). This variant is present in population databases (no rsID available, gnomAD 0.1%). This variant has not been reported in the literature in individuals affected with GORAB-related conditions. For these reasons, this variant has been classified as Pathogenic.

Literature cited by the submitters: PubMed 18997784; PubMed 19681135.